The following is an entry in ClinVar:

NM_017654.4(SAMD9):c.1676C>T (p.Thr559Ile)

Gene: SAMD9 (sterile alpha motif domain containing 9; minus strand). Cytogenetic location: 7q21.2.
Variant type: single nucleotide variant.
Coding change: c.1676C>T on transcript NM_017654.4 (MANE Select); coding-DNA position 1676, C replaced by T.
Protein change: p.Thr559Ile; replaces threonine 559 with isoleucine.
Molecular consequence: missense variant.
Genome position (GRCh38, 1-based): chr7:93,104,422, G>A on the plus strand (C>T on the coding strand, the complement: SAMD9 is on the minus strand). VCF-style: chr7-93104422-G-A. GRCh37 (hg19) VCF-style: chr7-92733735-G-A.
Other names: c.1676C>T, p.Thr559Ile (NM_001193307.2); c.1676C>T (NM_017654.3); short protein forms T559I.
Identifiers: ClinVar variation 1917071 (VCV001917071.5), dbSNP rs1452141347, ClinGen allele CA368195382.

ClinVar aggregate classification (germline): Uncertain significance. Review status: criteria provided, multiple submitters, no conflicts (2 of 4 stars). 2 submissions from 2 submitters: Uncertain significance (2). Last evaluated 2025-01-31.

Conditions:
Inborn genetic diseases. Identifiers: MedGen C0950123, MeSH D030342.

Allele frequency attached by ClinVar (database versions not stated): TOPMed 0.00001.

Submissions (2):

Ambry Genetics
Classification: Uncertain significance for Inborn genetic diseases. Last evaluated: 2025-01-31. Review status: criteria provided, single submitter. Criteria: Ambry Variant Classification Scheme 2023. Collection method: clinical testing. Allele origin: germline.
Comment: The p.T559I variant (also known as c.1676C>T), located in coding exon 1 of the SAMD9 gene, results from a C to T substitution at nucleotide position 1676. The threonine at codon 559 is replaced by isoleucine, an amino acid with similar properties. This amino acid position is conserved. In addition, this alteration is predicted to be tolerated by in silico analysis. Based on the available evidence, the clinical significance of this variant remains unclear.

Labcorp Genetics (formerly Invitae), Labcorp
Classification: Uncertain significance. Last evaluated: 2022-08-12. Review status: criteria provided, single submitter. Criteria: Invitae Variant Classification Sherloc (09022015). Collection method: clinical testing. Allele origin: germline.
Comment: In summary, the available evidence is currently insufficient to determine the role of this variant in disease. Therefore, it has been classified as a Variant of Uncertain Significance. Algorithms developed to predict the effect of missense changes on protein structure and function are either unavailable or do not agree on the potential impact of this missense change (SIFT: "Tolerated"; PolyPhen-2: "Probably Damaging"; Align-GVGD: "Class C0"). This variant has not been reported in the literature in individuals affected with SAMD9-related conditions. This variant is not present in population databases (gnomAD no frequency). This sequence change replaces threonine, which is neutral and polar, with isoleucine, which is neutral and non-polar, at codon 559 of the SAMD9 protein (p.Thr559Ile).